The following is an entry in ClinVar:

ClinVar aggregate classification (germline): Likely benign (1 of 4 stars; one submission).

Allele frequency attached by ClinVar (database versions not stated): ExAC 0.00001; gnomAD exomes 0.00001.
gnomAD v4.1: 5 of 1,614,066 alleles (0.00031%); highest among the groups gnomAD compares: Non-Finnish European, 0.00042%; no homozygotes.

Submission:

CeGaT Center for Human Genetics Tuebingen
Classification: Likely benign. Last evaluated: 2022-08-01. Review status: criteria provided, single submitter. Criteria: CeGaT Center For Human Genetics Tuebingen Variant Classification Criteria Version 2. Collection method: clinical testing. Allele origin: germline. Affected: yes. Observed: 1 variant allele.
Comment: EEF1B2: BP4, BP7

NM_001959.4(EEF1B2):c.90A>G (p.Pro30=)

Gene: EEF1B2 (eukaryotic translation elongation factor 1 beta 2; plus strand). Cytogenetic location: 2q33.3.
Variant type: single nucleotide variant.
Coding change: c.90A>G on transcript NM_001959.4 (MANE Select); coding-DNA position 90, A replaced by G.
Protein change: p.Pro30=; no amino-acid change (proline 30 retained).
Molecular consequence: synonymous variant.
Genome position (GRCh38, 1-based): chr2:206,160,597, A>G. VCF-style: chr2-206160597-A-G. GRCh37 (hg19) VCF-style: chr2-207025321-A-G.
Other names: c.90A>G, p.Pro30= (NM_001037663.2, NM_021121.4).
Identifiers: ClinVar variation 2651837 (VCV002651837.24), dbSNP rs755528110, ClinGen allele CA2071041.